The following is an entry in ClinVar:

ClinVar aggregate classification (germline): Uncertain significance. Review status: criteria provided, multiple submitters, no conflicts (2 of 4 stars). 3 submissions from 3 submitters: Uncertain significance (2). 1 of the submissions does not count toward it. Last evaluated 2021-11-07.

Conditions:
Retinitis pigmentosa (RP). Identifiers: Orphanet 791, MedGen C0035334, MeSH D012174, MONDO:0019200, OMIM 268000. Inheritance: Autosomal dominant, autosomal recessive and X linked inheritance.
Retinitis pigmentosa 25 (RP25). Identifiers: Orphanet 791, MedGen C1864446, MONDO:0011272, OMIM 602772.

Allele frequency attached by ClinVar (database versions not stated): gnomAD exomes 0.00002 and 0.00004; gnomAD 0.00005 and 0.00006; TOPMed 0.00005.
gnomAD v4.1: 62 of 1,546,076 alleles (0.004%); highest among the groups gnomAD compares: Non-Finnish European, 0.005%; no homozygotes.

Submissions (3):

Labcorp Genetics (formerly Invitae), Labcorp
Classification: Uncertain significance. Last evaluated: 2021-11-07. Review status: criteria provided, single submitter. Criteria: Invitae Variant Classification Sherloc (09022015). Collection method: clinical testing. Allele origin: germline.
Comment: This sequence change replaces glutamic acid, which is acidic and polar, with lysine, which is basic and polar, at codon 964 of the EYS protein (p.Glu964Lys). This variant is present in population databases (no rsID available, gnomAD 0.006%). This variant has not been reported in the literature in individuals affected with EYS-related conditions. ClinVar contains an entry for this variant (Variation ID: 357722). Algorithms developed to predict the effect of missense changes on protein structure and function are either unavailable or do not agree on the potential impact of this missense change (SIFT: "Tolerated"; PolyPhen-2: "Probably Damaging"; Align-GVGD: "Class C0"). In summary, the available evidence is currently insufficient to determine the role of this variant in disease. Therefore, it has been classified as a Variant of Uncertain Significance.

Illumina Laboratory Services, Illumina
Classification: Uncertain significance for Retinitis pigmentosa. Last evaluated: 2018-01-13. Review status: criteria provided, single submitter. Criteria: ICSL Variant Classification Criteria 13 December 2019. Collection method: clinical testing. Allele origin: germline.

Natera, Inc.
Classification: Uncertain significance for Retinitis pigmentosa type 25. Last evaluated: 2020-07-05. Review status: no assertion criteria provided. Collection method: clinical testing. Allele origin: germline. Not counted in ClinVar's aggregate classification.

NM_001142800.2(EYS):c.2890G>A (p.Glu964Lys)

Gene: EYS (EGF-like photoreceptor maintenance factor; minus strand). Cytogenetic location: 6q12.
Variant type: single nucleotide variant.
Coding change: c.2890G>A on transcript NM_001142800.2 (MANE Select); coding-DNA position 2890, G replaced by A.
Protein change: p.Glu964Lys; replaces glutamic acid 964 with lysine.
Molecular consequence: missense variant.
Genome position (GRCh38, 1-based): chr6:64,886,799, C>T on the plus strand (G>A on the coding strand, the complement: EYS is on the minus strand). VCF-style: chr6-64886799-C-T. GRCh37 (hg19) VCF-style: chr6-65596692-C-T.
Other names: c.2890G>A, p.Glu964Lys (NM_001292009.2); short protein forms E964K.
Identifiers: ClinVar variation 357722 (VCV000357722.8), dbSNP rs886061681, ClinGen allele CA10627416.